The following is an entry in ClinVar:

ClinVar aggregate classification (germline): Uncertain significance (1 of 4 stars; one submission).

gnomAD v4.1: 1 of 1,613,040 alleles (0.000062%); highest among the groups gnomAD compares: East Asian, 0.0022%; no homozygotes.

Submission:

Labcorp Genetics (formerly Invitae), Labcorp
Classification: Uncertain significance. Last evaluated: 2024-07-10. Review status: criteria provided, single submitter. Criteria: Invitae Variant Classification Sherloc (09022015). Collection method: clinical testing. Allele origin: germline.
Comment: This sequence change affects a donor splice site in intron 1 of the FGF17 gene. It is expected to disrupt RNA splicing. Variants that disrupt the donor or acceptor splice site typically lead to a loss of protein function (PMID: 16199547), however the current clinical and genetic evidence is not sufficient to establish whether loss-of-function variants in FGF17 cause disease. This variant is not present in population databases (gnomAD no frequency). This variant has not been reported in the literature in individuals affected with FGF17-related conditions. Algorithms developed to predict the effect of sequence changes on RNA splicing suggest that this variant may disrupt the consensus splice site. In summary, the available evidence is currently insufficient to determine the role of this variant in disease. Therefore, it has been classified as a Variant of Uncertain Significance.

Literature cited by the submitters: PubMed 16199547.

NM_003867.4(FGF17):c.35+1G>A

Gene: FGF17 (fibroblast growth factor 17; plus strand). Cytogenetic location: 8p21.3.
Variant type: single nucleotide variant.
Coding change: c.35+1G>A on transcript NM_003867.4 (MANE Select); the canonical splice donor site of the intron after coding-DNA position 35, G replaced by A.
Molecular consequence: splice donor variant.
Genome position (GRCh38, 1-based): chr8:22,042,964, G>A. VCF-style: chr8-22042964-G-A. GRCh37 (hg19) VCF-style: chr8-21900475-G-A.
Other names: c.35+1G>A (NM_001304478.1).
Identifiers: ClinVar variation 3684086 (VCV003684086.2).